The following is an entry in ClinVar:

NM_001606.5(ABCA2):c.4124C>A (p.Ser1375Ter)

Gene: ABCA2 (ATP binding cassette subfamily A member 2; minus strand). Cytogenetic location: 9q34.3.
Variant type: single nucleotide variant.
Coding change: c.4124C>A on transcript NM_001606.5 (MANE Select); coding-DNA position 4124, C replaced by A.
Protein change: p.Ser1375Ter; replaces serine 1375 with a stop codon.
Molecular consequence: nonsense.
Genome position (GRCh38, 1-based): chr9:137,014,284, G>T on the plus strand (C>A on the coding strand, the complement: ABCA2 is on the minus strand). VCF-style: chr9-137014284-G-T. GRCh37 (hg19) VCF-style: chr9-139908736-G-T.
Other names: c.4121C>A, p.Ser1374Ter (NM_001411042.1); c.4214C>A, p.Ser1405Ter (NM_212533.3); short protein forms S1374*, S1375*, S1405*.
Identifiers: ClinVar variation 4845700 (VCV004845700.1).

ClinVar aggregate classification (germline): Likely pathogenic (1 of 4 stars; one submission).

Conditions:
Intellectual developmental disorder with poor growth and with or without seizures or ataxia. Identifiers: MedGen C5394135, MONDO:0032930, OMIM 618808.

Submission:

First Genomix Gene Laboratory, Genetic Diagnostics Department
Classification: Likely pathogenic for Intellectual developmental disorder with poor growth and with or without seizures or ataxia. Last evaluated: 2025-01-17. Review status: criteria provided, single submitter. Criteria: ACMG Guidelines, 2015. Collection method: clinical testing. Allele origin: germline. Inheritance: Autosomal recessive inheritance. Affected: no. Observed: 1 variant allele.